The following is an entry in ClinVar:

ClinVar aggregate classification (germline): Pathogenic (1 of 4 stars; one submission).

Conditions:
Glycogen storage disease type III (GSD3). Also called: FORBES DISEASE; Cori disease. Identifiers: Orphanet 366, MedGen C0017922, MONDO:0009291, OMIM 232400.

Submission:

Labcorp Genetics (formerly Invitae), Labcorp
Classification: Pathogenic for Glycogen storage disease type III. Last evaluated: 2022-07-29. Review status: criteria provided, single submitter. Criteria: Invitae Variant Classification Sherloc (09022015). Collection method: clinical testing. Allele origin: germline.
Comment: This variant is a gross deletion of the genomic region encompassing exon(s) 26-27 of the AGL gene. This deletion is out-of-frame, and is expected to create a premature termination codon and result in an absent or disrupted protein product. Loss-of-function variants in AGL are known to be pathogenic (PMID: 19299494). This variant has not been reported in the literature in individuals affected with AGL-related conditions. For these reasons, this variant has been classified as Pathogenic.

Literature cited by the submitters: PubMed 19299494.

NC_000001.10:g.(?_100366182)_(100368360_?)del

Gene: AGL (amylo-alpha-1,6-glucosidase and 4-alpha-glucanotransferase; plus strand). Cytogenetic location: 1p21.2.
Variant type: Deletion.
Identifiers: ClinVar variation 2423338 (VCV002423338.2).